The following is an entry in ClinVar:

ClinVar aggregate classification (germline): Likely benign. Review status: criteria provided, single submitter (1 of 4 stars). 2 submissions from 2 submitters: Likely benign (1). 1 of the submissions does not count toward it. Last evaluated 2025-03-19.

Conditions:
FREM1-related disorder. Also called: FREM1-related condition; FREM1-Related Disorders.

Allele frequency attached by ClinVar (database versions not stated): TOPMed 0.00003; ExAC 0.00003; gnomAD 0.00003.
gnomAD v4.1: 43 of 1,611,020 alleles (0.0027%); highest among the groups gnomAD compares: Admixed American, 0.017%; no homozygotes.

Submissions (2):

Labcorp Genetics (formerly Invitae), Labcorp
Classification: Likely benign. Last evaluated: 2025-03-19. Review status: criteria provided, single submitter. Criteria: Invitae Variant Classification Sherloc (09022015). Collection method: clinical testing. Allele origin: germline.

PreventionGenetics, part of Exact Sciences
Classification: Likely benign for FREM1-related condition. Last evaluated: 2019-04-01. Review status: no assertion criteria provided. Collection method: clinical testing. Allele origin: germline. Not counted in ClinVar's aggregate classification.
Comment: This variant is classified as likely benign based on ACMG/AMP sequence variant interpretation guidelines (Richards et al. 2015 PMID: 25741868, with internal and published modifications).

NM_001379081.2(FREM1):c.4068C>T (p.Thr1356=)

Gene: FREM1 (FRAS1 related extracellular matrix 1; minus strand). Cytogenetic location: 9p22.3.
Variant type: single nucleotide variant.
Coding change: c.4068C>T on transcript NM_001379081.2 (MANE Select); coding-DNA position 4068, C replaced by T.
Protein change: p.Thr1356=; no amino-acid change (threonine 1356 retained).
Molecular consequence: synonymous variant. On other transcripts: non-coding transcript variant (1).
Genome position (GRCh38, 1-based): chr9:14,789,028, G>A on the plus strand (C>T on the coding strand, the complement: FREM1 is on the minus strand). VCF-style: chr9-14789028-G-A. GRCh37 (hg19) VCF-style: chr9-14789026-G-A.
Other names: c.4068C>T (NM_144966.5); c.4068C>T, p.Thr1356= (NM_144966.7).
Identifiers: ClinVar variation 2908233 (VCV002908233.5), dbSNP rs1316144391, ClinGen allele CA4990310.